The following is an entry in ClinVar:

NM_025074.7(FRAS1):c.9845A>G (p.Lys3282Arg)

Gene: FRAS1 (Fraser extracellular matrix complex subunit 1; plus strand). Cytogenetic location: 4q21.21.
Variant type: single nucleotide variant.
Coding change: c.9845A>G on transcript NM_025074.7 (MANE Select); coding-DNA position 9845, A replaced by G.
Protein change: p.Lys3282Arg; replaces lysine 3282 with arginine.
Molecular consequence: missense variant.
Genome position (GRCh38, 1-based): chr4:78,511,338, A>G. VCF-style: chr4-78511338-A-G. GRCh37 (hg19) VCF-style: chr4-79432492-A-G.
Other names: short protein forms K3282R.
Identifiers: ClinVar variation 2317886 (VCV002317886.7), dbSNP rs527476410, ClinGen allele CA2978784.
Genomic context (GRCh38, chr4:78,511,338, plus strand): 5'-TGGACAGCATTTACTTCAGCCGGAGGTTCCATGTGCGTTGTGTGGCCAAGGCTGTGGACA[A>G]GGTGGGCCATGTGGGGACCCCCTTAAGGAGCAACATTGTTACCATTGGAACAGACAGTGC-3'
Protein context (NP_079350.5, residues 3272-3292): HVRCVAKAVD[Lys3282Arg]VGHVGTPLRS

ClinVar aggregate classification (germline): Uncertain significance. Review status: criteria provided, multiple submitters, no conflicts (2 of 4 stars). 3 submissions from 3 submitters: Uncertain significance (3). Last evaluated 2025-04-11.

Conditions:
Inborn genetic diseases. Identifiers: MedGen C0950123, MeSH D030342.
Fraser syndrome 1 (FRASRS1). Also called: CRYPTOPHTHALMOS WITH OTHER MALFORMATIONS. Identifiers: Orphanet 2052, MedGen C4551480, MONDO:0054737, OMIM 219000.

Allele frequency attached by ClinVar (database versions not stated): TOPMed 0.00008.
gnomAD v4.1: 17 of 1,613,448 alleles (0.0011%); highest among the groups gnomAD compares: East Asian, 0.036%; no homozygotes.

Submissions (3):

Ambry Genetics
Classification: Uncertain significance for Inborn genetic diseases. Last evaluated: 2025-04-11. Review status: criteria provided, single submitter. Criteria: Ambry Variant Classification Scheme 2023. Collection method: clinical testing. Allele origin: germline.

Labcorp Genetics (formerly Invitae), Labcorp
Classification: Uncertain significance. Last evaluated: 2025-01-01. Review status: criteria provided, single submitter. Criteria: Invitae Variant Classification Sherloc (09022015). Collection method: clinical testing. Allele origin: germline.
Comment: This sequence change replaces lysine, which is basic and polar, with arginine, which is basic and polar, at codon 3282 of the FRAS1 protein (p.Lys3282Arg). This variant is present in population databases (rs527476410, gnomAD 0.09%). This variant has not been reported in the literature in individuals affected with FRAS1-related conditions. ClinVar contains an entry for this variant (Variation ID: 2317886). Invitae Evidence Modeling of protein sequence and biophysical properties (such as structural, functional, and spatial information, amino acid conservation, physicochemical variation, residue mobility, and thermodynamic stability) indicates that this missense variant is not expected to disrupt FRAS1 protein function with a negative predictive value of 80%. In summary, the available evidence is currently insufficient to determine the role of this variant in disease. Therefore, it has been classified as a Variant of Uncertain Significance.

Revvity Omics, Revvity
Classification: Uncertain significance for Fraser syndrome 1. Last evaluated: 2022-03-18. Review status: criteria provided, single submitter. Criteria: ACMG Guidelines, 2015. Collection method: clinical testing. Allele origin: germline.